The following is an entry in ClinVar:

NM_007167.4(ZMYM6):c.2210G>C (p.Arg737Thr)

Gene: ZMYM6 (zinc finger MYM-type containing 6; minus strand). Cytogenetic location: 1p34.3.
Variant type: single nucleotide variant.
Coding change: c.2210G>C on transcript NM_007167.4 (MANE Select); coding-DNA position 2210, G replaced by C.
Protein change: p.Arg737Thr; replaces arginine 737 with threonine.
Molecular consequence: missense variant.
Genome position (GRCh38, 1-based): chr1:34,988,872, C>G on the plus strand (G>C on the coding strand, the complement: ZMYM6 is on the minus strand). VCF-style: chr1-34988872-C-G. GRCh37 (hg19) VCF-style: chr1-35454473-C-G.
Other names: short protein forms R737T.
Identifiers: ClinVar variation 3043128 (VCV003043128.2), dbSNP rs61741445, ClinGen allele CA756292.
Genomic context (GRCh38, chr1:34,988,872, plus strand): 5'-GGACAGATAATAAAACCAACTTTTAAATATTCTGTATCATAAGTCTGGAAAAAACCTAAT[C>G]TTTTTTTCTTTGAAGGTGGAGAATCAAGTTCTGCATCATTTTTTTCATTAGGCATAGGTA-3'
Protein context (NP_009098.3, residues 727-747): ELDSPPSKKK[Arg737Thr]LGFFQTYDTE

ClinVar aggregate classification (germline): Benign (0 of 4 stars; one submission).

Conditions:
ZMYM6-related disorder. Also called: ZMYM6-related condition.

Allele frequency attached by ClinVar (database versions not stated): ESP Exome Variant Server 0.00154; gnomAD exomes 0.00160; 1000 Genomes Project 30x 0.00375; 1000 Genomes Project 0.00379; ExAC 0.00405.
gnomAD v4.1: 2,657 of 1,610,374 alleles (0.16%); highest among the groups gnomAD compares: South Asian, 1%; 25 homozygotes.

Submission:

PreventionGenetics, part of Exact Sciences
Classification: Benign for ZMYM6-related condition. Last evaluated: 2019-06-21. Review status: no assertion criteria provided. Collection method: clinical testing. Allele origin: germline.
Comment: This variant is classified as benign based on ACMG/AMP sequence variant interpretation guidelines (Richards et al. 2015 PMID: 25741868, with internal and published modifications).